The following is an entry in ClinVar:

NM_025045.6(BAIAP2L2):c.1059G>A (p.Glu353=)

Gene: BAIAP2L2 (BAR/IMD domain containing adaptor protein 2 like 2; minus strand). Cytogenetic location: 22q13.1.
Variant type: single nucleotide variant.
Coding change: c.1059G>A on transcript NM_025045.6 (MANE Select); coding-DNA position 1059, G replaced by A.
Protein change: p.Glu353=; no amino-acid change (glutamic acid 353 retained).
Molecular consequence: synonymous variant.
Genome position (GRCh38, 1-based): chr22:38,088,807, C>T on the plus strand (G>A on the coding strand, the complement: BAIAP2L2 is on the minus strand). VCF-style: chr22-38088807-C-T. GRCh37 (hg19) VCF-style: chr22-38484814-C-T.
Identifiers: ClinVar variation 3388525 (VCV003388525.14).

ClinVar aggregate classification (germline): Likely benign (1 of 4 stars; one submission).

Submission:

CeGaT Center for Human Genetics Tuebingen
Classification: Likely benign. Last evaluated: 2024-10-01. Review status: criteria provided, single submitter. Criteria: CeGaT Center For Human Genetics Tuebingen Variant Classification Criteria Version 2. Collection method: clinical testing. Allele origin: germline. Affected: yes. Observed: 1 variant allele.
Comment: BAIAP2L2: BP4, BP7